The following is an entry in ClinVar:

NM_005263.5(GFI1):c.115+3G>A

Gene: GFI1 (growth factor independent 1 transcriptional repressor; minus strand). Cytogenetic location: 1p22.1.
Variant type: single nucleotide variant.
Coding change: c.115+3G>A on transcript NM_005263.5 (MANE Select); 3 bases into the intron after coding-DNA position 115, G replaced by A.
Molecular consequence: intron variant.
Genome position (GRCh38, 1-based): chr1:92,483,370, C>T on the plus strand (G>A on the coding strand, the complement: GFI1 is on the minus strand). VCF-style: chr1-92483370-C-T. GRCh37 (hg19) VCF-style: chr1-92948927-C-T.
Other names: c.115+3G>A (NM_001127216.3, NM_001127215.3).
Identifiers: ClinVar variation 4780910 (VCV004780910.1).

ClinVar aggregate classification (germline): Uncertain significance (1 of 4 stars; one submission).

Conditions:
Neutropenia, severe congenital, 2, autosomal dominant. Identifiers: Orphanet 486, MedGen C2751288, MONDO:0013139, OMIM 613107.

gnomAD v4.1: 2 of 1,577,088 alleles (0.00013%); highest among the groups gnomAD compares: Non-Finnish European, 0.00017%; no homozygotes.

Submission:

Labcorp Genetics (formerly Invitae), Labcorp
Classification: Uncertain significance for Neutropenia, severe congenital, 2, autosomal dominant. Last evaluated: 2025-06-22. Review status: criteria provided, single submitter. Criteria: Invitae Variant Classification Sherloc (09022015). Collection method: clinical testing. Allele origin: germline.
Comment: This sequence change falls in intron 2 of the GFI1 gene. It does not directly change the encoded amino acid sequence of the GFI1 protein. It affects a nucleotide within the consensus splice site. This variant is present in population databases (rs760413467, gnomAD 0.0009%). This variant has not been reported in the literature in individuals affected with GFI1-related conditions. Variants that disrupt the consensus splice site are a relatively common cause of aberrant splicing (PMID: 17576681, 9536098). Algorithms developed to predict the effect of sequence changes on RNA splicing suggest that this variant is not likely to affect RNA splicing. In summary, the available evidence is currently insufficient to determine the role of this variant in disease. Therefore, it has been classified as a Variant of Uncertain Significance.

Literature cited by the submitters: PubMed 17576681; PubMed 9536098.